The following is an entry in ClinVar:

ClinVar aggregate classification (germline): Benign. Review status: criteria provided, multiple submitters, no conflicts (2 of 4 stars). 2 submissions from 2 submitters: Benign (2). Last evaluated 2021-07-10.

Conditions:
Ehlers-Danlos syndrome, dermatosparaxis type. Also called: Dermatosparaxis; EDS VIIC; Ehlers-Danlos syndrome, type VII, autosomal recessive. Identifiers: Orphanet 1901, MedGen C2700425, MONDO:0009161, OMIM 225410.

Allele frequency attached by ClinVar (database versions not stated): ESP Exome Variant Server 0.09593; TOPMed 0.13002; gnomAD 0.13091 and 0.13848; gnomAD exomes 0.13829 and 0.16356; ExAC 0.16018; 1000 Genomes Project 30x 0.19425; 1000 Genomes Project 0.19549.
gnomAD v4.1: 219,397 of 1,586,838 alleles (14%); highest among the groups gnomAD compares: East Asian, 31%; 17,256 homozygotes.

Submissions (2):

Genome-Nilou Lab
Classification: Benign for Ehlers-Danlos syndrome, dermatosparaxis type. Last evaluated: 2021-07-10. Review status: criteria provided, single submitter. Criteria: ACMG Guidelines, 2015. Collection method: clinical testing. Allele origin: germline. Affected: no.

GeneDx
Classification: Benign. Last evaluated: 2018-06-14. Review status: criteria provided, single submitter. Criteria: GeneDx Variant Classification (06012015). Collection method: clinical testing. Allele origin: germline. Affected: yes.
Comment: This variant is considered likely benign or benign based on one or more of the following criteria: it is a conservative change, it occurs at a poorly conserved position in the protein, it is predicted to be benign by multiple in silico algorithms, and/or has population frequency not consistent with disease.

NM_014244.5(ADAMTS2):c.534+50T>C

Gene: ADAMTS2 (ADAM metallopeptidase with thrombospondin type 1 motif 2; minus strand). Cytogenetic location: 5q35.3.
Variant type: single nucleotide variant.
Coding change: c.534+50T>C on transcript NM_014244.5 (MANE Select); 50 bases into the intron after coding-DNA position 534, T replaced by C.
Molecular consequence: intron variant.
Genome position (GRCh38, 1-based): chr5:179,343,717, A>G on the plus strand (T>C on the coding strand, the complement: ADAMTS2 is on the minus strand). VCF-style: chr5-179343717-A-G. GRCh37 (hg19) VCF-style: chr5-178770718-A-G.
Other names: c.534+50T>C (NM_021599.4).
Identifiers: ClinVar variation 674887 (VCV000674887.4), dbSNP rs2271214, ClinGen allele CA3596300.